The following is an entry in ClinVar:

ClinVar aggregate classification (germline): Uncertain significance (1 of 4 stars; one submission).

Conditions:
Arrhythmogenic right ventricular dysplasia 11. Also called: ARRHYTHMOGENIC RIGHT VENTRICULAR DYSPLASIA, FAMILIAL, 11; Arrhythmogenic Right Ventricular Dysplasia/Cardiomyopathy11; Arrhythmogenic right ventricular dysplasia 11 with mild palmoplantar keratoderma and woolly hair. Identifiers: MedGen C1864850, MONDO:0012506, OMIM 610476.

Submission:

Labcorp Genetics (formerly Invitae), Labcorp
Classification: Uncertain significance for Arrhythmogenic right ventricular dysplasia 11. Last evaluated: 2022-12-16. Review status: criteria provided, single submitter. Criteria: Invitae Variant Classification Sherloc (09022015). Collection method: clinical testing. Allele origin: germline.
Comment: In summary, the available evidence is currently insufficient to determine the role of this variant in disease. Therefore, it has been classified as a Variant of Uncertain Significance. Advanced modeling of protein sequence and biophysical properties (such as structural, functional, and spatial information, amino acid conservation, physicochemical variation, residue mobility, and thermodynamic stability) performed at Invitae indicates that this missense variant is expected to disrupt DSC2 protein function. This variant has not been reported in the literature in individuals affected with DSC2-related conditions. This variant is not present in population databases (gnomAD no frequency). This sequence change replaces leucine, which is neutral and non-polar, with isoleucine, which is neutral and non-polar, at codon 692 of the DSC2 protein (p.Leu692Ile).

NM_024422.6(DSC2):c.2074C>A (p.Leu692Ile)

Gene: DSC2 (desmocollin 2; minus strand). Cytogenetic location: 18q12.1.
Variant type: single nucleotide variant.
Coding change: c.2074C>A on transcript NM_024422.6 (MANE Select); coding-DNA position 2074, C replaced by A.
Protein change: p.Leu692Ile; replaces leucine 692 with isoleucine.
Molecular consequence: missense variant.
Genome position (GRCh38, 1-based): chr18:31,071,656, G>T on the plus strand (C>A on the coding strand, the complement: DSC2 is on the minus strand). VCF-style: chr18-31071656-G-T. GRCh37 (hg19) VCF-style: chr18-28651622-G-T.
Other names: c.1645C>A, p.Leu549Ile (NM_001406506.1, NM_001406507.1); c.2074C>A, p.Leu692Ile (NM_004949.5); short protein forms L549I, L692I.
Identifiers: ClinVar variation 2970587 (VCV002970587.3), dbSNP rs2510940345, ClinGen allele CA402112883.
Genomic context (GRCh38, chr18:31,071,656, plus strand): 5'-AAGACTTACAAAAGAGCAATGCTATGCCCAACAATATTGCAAGGATGGCCCACTTTCCAA[G>T]TTGTACTCCTCCACCGCCAATCCTTGGATCTACACGATGTGTGCAGTCATTTTCGGTAAT-3'
Protein context (NP_077740.1, residues 682-702): DPRIGGGGVQ[Leu692Ile]GKWAILAILL